The following is an entry in ClinVar:

ClinVar aggregate classification (germline): Likely benign. Review status: criteria provided, multiple submitters, no conflicts (2 of 4 stars). 3 submissions from 3 submitters: Likely benign (3). Last evaluated 2026-01-26.

Conditions:
PROM1-related disorder. Also called: PROM1-related disorders; PROM1-related condition.

Allele frequency attached by ClinVar (database versions not stated): gnomAD exomes 0.00001 and 0.00006; TOPMed 0.00003; ExAC 0.00010.
gnomAD v4.1: 18 of 1,611,126 alleles (0.0011%); highest among the groups gnomAD compares: Admixed American, 0.024%; no homozygotes.

Submissions (3):

PreventionGenetics, part of Exact Sciences
Classification: Likely benign for PROM1-related condition. Last evaluated: 2026-01-26. Review status: criteria provided, single submitter. Criteria: ACMG Guidelines, 2015. Collection method: clinical testing. Allele origin: germline.
Comment: This variant is classified as likely benign based on ACMG/AMP sequence variant interpretation guidelines (Richards et al. 2015 PMID: 25741868, with internal and published modifications).

Labcorp Genetics (formerly Invitae), Labcorp
Classification: Likely benign. Last evaluated: 2025-06-14. Review status: criteria provided, single submitter. Criteria: Invitae Variant Classification Sherloc (09022015). Collection method: clinical testing. Allele origin: germline.

Blueprint Genetics
Classification: Likely benign. Last evaluated: 2021-08-11. Review status: criteria provided, single submitter. Criteria: ACMG Guidelines, 2015. Collection method: clinical testing. Allele origin: germline.

NM_006017.3(PROM1):c.2085A>G (p.Leu695=)

Gene: PROM1 (prominin 1; minus strand). Cytogenetic location: 4p15.32.
Variant type: single nucleotide variant.
Coding change: c.2085A>G on transcript NM_006017.3 (MANE Select); coding-DNA position 2085, A replaced by G.
Protein change: p.Leu695=; no amino-acid change (leucine 695 retained).
Molecular consequence: synonymous variant.
Genome position (GRCh38, 1-based): chr4:15,987,708, T>C on the plus strand (A>G on the coding strand, the complement: PROM1 is on the minus strand). VCF-style: chr4-15987708-T-C. GRCh37 (hg19) VCF-style: chr4-15989331-T-C.
Other names: c.2058A>G, p.Leu686= (NM_001145847.2, NM_001145848.2, NM_001145851.2 and 4 more transcripts); c.2085A>G, p.Leu695= (NM_001145849.2, NM_001145850.2); c.2085A>G (NM_006017.2).
Identifiers: ClinVar variation 1088630 (VCV001088630.12), dbSNP rs773851520, ClinGen allele CA2866511.